The following is an entry in ClinVar:

NM_004859.4(CLTC):c.2601_2603dup (p.His867_Glu868insAsp)

Gene: CLTC (clathrin heavy chain; plus strand). Cytogenetic location: 17q23.1.
Variant type: Duplication.
Coding change: c.2601_2603dup on transcript NM_004859.4 (MANE Select); coding-DNA positions 2601 to 2603, 3 bases duplicated (TGA; older notation c.2601_2603dupTGA).
Protein change: p.His867_Glu868insAsp.
Genome position (GRCh38, 1-based): chr17:59,676,993-59,676,995, TGA duplicated; duplicating any 3 consecutive bases within chr17:59,676,992-59,676,995 gives the same sequence; the c. name uses the placement nearest the transcript's 3' end. VCF-style (leftmost placement, unchanged base first): chr17-59676991-C-CATG. GRCh37 (hg19) VCF-style: chr17-57754352-C-CATG.
Other names: c.2613_2615dup, p.His871_Glu872insAsp (NM_001288653.2).
Identifiers: ClinVar variation 3364200 (VCV003364200.1).
Genomic context (GRCh38, chr17:59,676,991, plus strand): 5'-AGGTTTTTTTCCTTTTTTCCTAGATTGAAACTGCTTCTGCCTTGGCTAGAGGCCAGAATT[C>CATG]ATGAGGGCTGTGAGGAGCCTGCTACTCACAATGCCTTAGCCAAAATCTACATAGACAGTA-3'

ClinVar aggregate classification (germline): Uncertain significance (1 of 4 stars; one submission).

Submission:

GeneDx
Classification: Uncertain significance. Last evaluated: 2023-11-14. Review status: criteria provided, single submitter. Criteria: GeneDx Variant Classification Process June 2021. Collection method: clinical testing. Allele origin: germline. Affected: yes.
Comment: In-frame insertion of 1 amino acid in a non-repeat region; Not observed at significant frequency in large population cohorts (gnomAD); Has not been previously published as pathogenic or benign to our knowledge